The following is an entry in ClinVar:

ClinVar aggregate classification (germline): Uncertain significance (1 of 4 stars; one submission).

Conditions:
Dilated cardiomyopathy 1W (CMD1W). Identifiers: Orphanet 154, MedGen C1969639, MONDO:0012667, OMIM 611407.

Submission:

Labcorp Genetics (formerly Invitae), Labcorp
Classification: Uncertain significance for Dilated cardiomyopathy 1W. Last evaluated: 2021-12-08. Review status: criteria provided, single submitter. Criteria: Invitae Variant Classification Sherloc (09022015). Collection method: clinical testing. Allele origin: germline.
Comment: This variant is not present in population databases (gnomAD no frequency). In summary, the available evidence is currently insufficient to determine the role of this variant in disease. Therefore, it has been classified as a Variant of Uncertain Significance. Algorithms developed to predict the effect of missense changes on protein structure and function are either unavailable or do not agree on the potential impact of this missense change (SIFT: "Not Available"; PolyPhen-2: "Probably Damaging"; Align-GVGD: "Not Available"). This variant has not been reported in the literature in individuals affected with VCL-related conditions. This sequence change replaces isoleucine with asparagine at codon 1022 of the VCL protein (p.Ile1022Asn). The isoleucine residue is highly conserved and there is a large physicochemical difference between isoleucine and asparagine.

NM_014000.3(VCL):c.3065T>A (p.Ile1022Asn)

Gene: VCL (vinculin; plus strand). Cytogenetic location: 10q22.2.
Variant type: single nucleotide variant.
Coding change: c.3065T>A on transcript NM_014000.3 (MANE Select); coding-DNA position 3065, T replaced by A.
Protein change: p.Ile1022Asn; replaces isoleucine 1022 with asparagine.
Molecular consequence: missense variant.
Genome position (GRCh38, 1-based): chr10:74,114,299, T>A. VCF-style: chr10-74114299-T-A. GRCh37 (hg19) VCF-style: chr10-75874057-T-A.
Other names: c.2861T>A, p.Ile954Asn (NM_003373.4); short protein forms I954N, I1022N.
Identifiers: ClinVar variation 1521149 (VCV001521149.6), dbSNP rs2131939873, ClinGen allele CA377266910.